The following is an entry in ClinVar:

ClinVar aggregate classification (germline): Uncertain significance. Review status: criteria provided, multiple submitters, no conflicts (2 of 4 stars). 2 submissions from 2 submitters: Uncertain significance (2). Last evaluated 2023-12-20.

Conditions:
Inborn genetic diseases. Identifiers: MedGen C0950123, MeSH D030342.

Allele frequency attached by ClinVar (database versions not stated): gnomAD exomes below 0.00001; gnomAD 0.00001; TOPMed 0.00001.
gnomAD v4.1: 6 of 1,613,072 alleles (0.00037%); highest among the groups gnomAD compares: Non-Finnish European, 0.00051%; no homozygotes.

Submissions (2):

Ambry Genetics
Classification: Uncertain significance for Inborn genetic diseases. Last evaluated: 2023-12-20. Review status: criteria provided, single submitter. Criteria: Ambry Variant Classification Scheme 2023. Collection method: clinical testing. Allele origin: germline.

Labcorp Genetics (formerly Invitae), Labcorp
Classification: Uncertain significance. Last evaluated: 2022-08-09. Review status: criteria provided, single submitter. Criteria: Invitae Variant Classification Sherloc (09022015). Collection method: clinical testing. Allele origin: germline.
Comment: In summary, the available evidence is currently insufficient to determine the role of this variant in disease. Therefore, it has been classified as a Variant of Uncertain Significance. Algorithms developed to predict the effect of missense changes on protein structure and function are either unavailable or do not agree on the potential impact of this missense change (SIFT: "Deleterious"; PolyPhen-2: "Possibly Damaging"; Align-GVGD: "Class C0"). ClinVar contains an entry for this variant (Variation ID: 1474418). This variant has not been reported in the literature in individuals affected with DEAF1-related conditions. This variant is present in population databases (no rsID available, gnomAD 0.002%). This sequence change replaces histidine, which is basic and polar, with tyrosine, which is neutral and polar, at codon 554 of the DEAF1 protein (p.His554Tyr).

NM_021008.4(DEAF1):c.1660C>T (p.His554Tyr)

Gene: DEAF1 (DEAF1 transcription factor; minus strand). Cytogenetic location: 11p15.5.
Variant type: single nucleotide variant.
Coding change: c.1660C>T on transcript NM_021008.4 (MANE Select); coding-DNA position 1660, C replaced by T.
Protein change: p.His554Tyr; replaces histidine 554 with tyrosine.
Molecular consequence: missense variant.
Genome position (GRCh38, 1-based): chr11:644,588, G>A on the plus strand (C>T on the coding strand, the complement: DEAF1 is on the minus strand). VCF-style: chr11-644588-G-A. GRCh37 (hg19) VCF-style: chr11-644588-G-A.
Other names: c.1435C>T, p.His479Tyr (NM_001293634.2); c.934C>T, p.His312Tyr (NM_001367390.1); short protein forms H554Y, H479Y, H312Y.
Identifiers: ClinVar variation 1474418 (VCV001474418.9), dbSNP rs1053683350, ClinGen allele CA216944420.